The following is an entry in ClinVar:

ClinVar aggregate classification (germline): Pathogenic (1 of 4 stars; one submission).

Conditions:
Angelman syndrome (AS). Also called: HAPPY PUPPET SYNDROME. Identifiers: Orphanet 72, MedGen C0162635, MONDO:0007113, OMIM 105830. Disease mechanism: loss of function. Inheritance: imprinting disorder, AS is caused by disruption of maternally imprinted UBE3A located within the 15q11.2-q13 Angelman syndrome/Prader-Willi syndrome (AS/PWS) region..

Submission:

Labcorp Genetics (formerly Invitae), Labcorp
Classification: Pathogenic for Angelman syndrome. Last evaluated: 2025-04-17. Review status: criteria provided, single submitter. Criteria: Invitae Variant Classification Sherloc (09022015). Collection method: clinical testing. Allele origin: germline.
Comment: This sequence change creates a premature translational stop signal (p.Cys60*) in the UBE3A gene. It is expected to result in an absent or disrupted protein product. Loss-of-function variants in UBE3A are known to be pathogenic (PMID: 25212744). This variant is not present in population databases (gnomAD no frequency). This premature translational stop signal has been observed in individual(s) with Angelman Syndrome (PMID: 17009341). For these reasons, this variant has been classified as Pathogenic.

Literature cited by the submitters: PubMed 25212744; PubMed 17009341.

NM_130839.5(UBE3A):c.240_241del (p.Cys80_Asp81delinsTer)

Genes: SNHG14 (small nucleolar RNA host gene 14; plus strand), UBE3A (ubiquitin protein ligase E3A; minus strand). Cytogenetic location: 15q11.2.
Variant type: Microsatellite.
Coding change: c.240_241del on transcript NM_130839.5 (MANE Select); coding-DNA positions 240 to 241, 2 bases deleted (TG; older notation c.240_241delTG).
Protein change: p.Cys80_Asp81delinsTer.
Molecular consequence: nonsense. On other transcripts: non-coding transcript variant (1).
Genome position (GRCh38, 1-based): chr15:25,375,585-25,375,586, CA deleted on the plus strand (TG on the coding strand, the reverse complement: UBE3A is on the minus strand); deleting any 2 consecutive bases within chr15:25,375,585-25,375,588 gives the same sequence; the c. name uses the placement nearest the transcript's 3' end. VCF-style (leftmost placement, unchanged base first): chr15-25375584-TCA-T. GRCh37 (hg19) VCF-style: chr15-25620731-TCA-T.
Other names: c.180_181del, p.Cys60_Asp61delinsTer (NM_001354511.2, NM_001354512.2, NM_001354513.2 and 18 more transcripts); c.240_241del, p.Cys80_Asp81delinsTer (NM_001354538.2, NM_001354545.2, NM_001354550.2 and 1 more transcripts); c.63_64del, p.Cys21_Asp22delinsTer (NM_001354546.2); c.249_250del, p.Cys83_Asp84delinsTer (NM_000462.5).
Identifiers: ClinVar variation 4717621 (VCV004717621.1).